The following is an entry in ClinVar:

ClinVar aggregate classification (germline): Benign/Likely benign. Review status: criteria provided, multiple submitters, no conflicts (2 of 4 stars). 5 submissions from 5 submitters: Benign (1); Likely benign (4). Last evaluated 2025-12-22.

Conditions:
Hereditary cancer-predisposing syndrome. Also called: Neoplastic Syndromes, Hereditary; Tumor predisposition; Hereditary Cancer Syndrome; Hereditary neoplastic syndrome. Identifiers: Orphanet 140162, MedGen C0027672, MeSH D009386, MONDO:0015356.
Familial cancer of breast. Also called: hereditary breast carcinoma; BREAST CANCER, FAMILIAL; Hereditary breast cancer. Identifiers: Orphanet 227535, MedGen C0346153, MONDO:0016419, OMIM 114480. Disease mechanism: loss of function.
Fanconi anemia complementation group J. Also called: BRIP1-Related Fanconi Anemia. Identifiers: Orphanet 84, MedGen C1836860, MONDO:0012187, OMIM 609054.

Allele frequency attached by ClinVar (database versions not stated): gnomAD exomes below 0.00001.
gnomAD v4.1: 2 of 1,613,486 alleles (0.00012%); highest among the groups gnomAD compares: Non-Finnish European, 0.000085%; no homozygotes.

Submissions (5):

Labcorp Genetics (formerly Invitae), Labcorp
Classification: Likely benign for Familial cancer of breast; Fanconi anemia complementation group J. Last evaluated: 2025-12-22. Review status: criteria provided, single submitter. Criteria: Invitae Variant Classification Sherloc (09022015). Collection method: clinical testing. Allele origin: germline.

Myriad Genetics, Inc.
Classification: Benign for Familial cancer of breast. Last evaluated: 2024-08-27. Review status: criteria provided, single submitter. Criteria: Myriad Autosomal Dominant, Autosomal Recessive and X-Linked Classification Criteria (2023). Collection method: clinical testing. Allele origin: unknown.
Comment: This variant is considered benign. This variant is a silent/synonymous amino acid change and it is not expected to impact splicing.

Blueprint Genetics
Classification: Likely benign. Last evaluated: 2023-06-12. Review status: criteria provided, single submitter. Criteria: ACMG Guidelines, 2015. Collection method: clinical testing. Allele origin: germline.

Color Diagnostics, LLC DBA Color Health
Classification: Likely benign for Hereditary cancer-predisposing syndrome. Last evaluated: 2019-11-06. Review status: criteria provided, single submitter. Criteria: ACMG Guidelines, 2015. Collection method: clinical testing. Allele origin: germline.

Ambry Genetics
Classification: Likely benign for Hereditary cancer-predisposing syndrome. Last evaluated: 2017-01-18. Review status: criteria provided, single submitter. Criteria: Ambry Variant Classification Scheme 2023. Collection method: clinical testing. Allele origin: germline.

NM_032043.3(BRIP1):c.1311C>T (p.Pro437=)

Gene: BRIP1 (BRCA1 interacting DNA helicase 1; minus strand). Cytogenetic location: 17q23.2.
Variant type: single nucleotide variant.
Coding change: c.1311C>T on transcript NM_032043.3 (MANE Select); coding-DNA position 1311, C replaced by T.
Protein change: p.Pro437=; no amino-acid change (proline 437 retained).
Molecular consequence: synonymous variant.
Genome position (GRCh38, 1-based): chr17:61,799,129, G>A on the plus strand (C>T on the coding strand, the complement: BRIP1 is on the minus strand). VCF-style: chr17-61799129-G-A. GRCh37 (hg19) VCF-style: chr17-59876490-G-A.
Identifiers: ClinVar variation 414670 (VCV000414670.21), dbSNP rs1060504327, ClinGen allele CA16615503.
Genomic context (GRCh38, chr17:61,799,129, plus strand): 5'-CACAAATACACTAATAGACAAATCTTCTTACTTAATGAGGCTACAGCACACAGCTCGTAG[G>A]GGTTCATGATCTTTCTTCCTTATATTATTGTTGACCATACTATCTAGTTCATCCCGAGCA-3'
Protein context (NP_114432.2, residues 427-447): NNNIRKKDHE[Pro437=]LRAVCCSLIN